The following is an entry in ClinVar:

ClinVar aggregate classification (germline): Uncertain significance. Review status: criteria provided, multiple submitters, no conflicts (2 of 4 stars). 3 submissions from 3 submitters: Uncertain significance (3). Last evaluated 2025-10-13.

Conditions:
Dyskeratosis congenita, autosomal dominant 3. Identifiers: MedGen C3151445, MONDO:0013522, OMIM 613990.
Revesz syndrome. Also called: EXUDATIVE RETINOPATHY WITH BONE MARROW FAILURE; DYSKERATOSIS CONGENITA, AUTOSOMAL DOMINANT 5. Identifiers: Orphanet 3088, MedGen C1327916, MONDO:0009990, OMIM 268130.
Dyskeratosis congenita. Identifiers: Orphanet 1775, MedGen C0265965, MONDO:0015780.

Allele frequency attached by ClinVar (database versions not stated): gnomAD exomes below 0.00001 and 0.00001; TOPMed below 0.00001; ExAC 0.00001; gnomAD 0.00001.

Submissions (3):

GeneDx
Classification: Uncertain significance. Last evaluated: 2025-10-13. Review status: criteria provided, single submitter. Criteria: GeneDx Variant Classification Process June 2021. Collection method: clinical testing. Allele origin: germline.
Comment: Not observed at significant frequency in large population cohorts (gnomAD); In silico analysis supports that this missense variant has a deleterious effect on protein structure/function; Has not been previously published as pathogenic or benign to our knowledge

Fulgent Genetics
Classification: Uncertain significance for Revesz syndrome; Dyskeratosis congenita, autosomal dominant 3. Last evaluated: 2024-01-07. Review status: criteria provided, single submitter. Criteria: ACMG Guidelines, 2015. Collection method: clinical testing. Allele origin: germline.

Labcorp Genetics (formerly Invitae), Labcorp
Classification: Uncertain significance for Dyskeratosis congenita. Last evaluated: 2020-12-13. Review status: criteria provided, single submitter. Criteria: Invitae Variant Classification Sherloc (09022015). Collection method: clinical testing. Allele origin: germline.
Comment: In summary, the available evidence is currently insufficient to determine the role of this variant in disease. Therefore, it has been classified as a Variant of Uncertain Significance. Algorithms developed to predict the effect of missense changes on protein structure and function output the following: SIFT: "Tolerated"; PolyPhen-2: "Possibly Damaging"; Align-GVGD: "Class C0". The aspartic acid amino acid residue is found in multiple mammalian species, suggesting that this missense change does not adversely affect protein function. These predictions have not been confirmed by published functional studies and their clinical significance is uncertain. This variant has not been reported in the literature in individuals with TINF2-related conditions. This variant is present in population databases (rs771709910, ExAC 0.002%). This sequence change replaces alanine with aspartic acid at codon 43 of the TINF2 protein (p.Ala43Asp). The alanine residue is moderately conserved and there is a moderate physicochemical difference between alanine and aspartic acid.

NM_001099274.3(TINF2):c.128C>A (p.Ala43Asp)

Genes: TINF2 (TERF1 interacting nuclear factor 2; minus strand), LOC130055403 (ATAC-STARR-seq lymphoblastoid active region 8199; plus strand). Cytogenetic location: 14q12.
Variant type: single nucleotide variant.
Coding change: c.128C>A on transcript NM_001099274.3 (MANE Select); coding-DNA position 128, C replaced by A.
Protein change: p.Ala43Asp; replaces alanine 43 with aspartic acid.
Molecular consequence: missense variant.
Genome position (GRCh38, 1-based): chr14:24,242,205, G>T on the plus strand (C>A on the coding strand, the complement: TINF2 is on the minus strand). VCF-style: chr14-24242205-G-T. GRCh37 (hg19) VCF-style: chr14-24711411-G-T.
Other names: c.128C>A, p.Ala43Asp (NM_001363668.2, NM_012461.3); c.128C>A (NM_001099274.1); short protein forms A43D.
Identifiers: ClinVar variation 1467172 (VCV001467172.11), dbSNP rs771709910, ClinGen allele CA7130751.
Genomic context (GRCh38, chr14:24,242,205, plus strand): 5'-GCCTTTAGGCCCATACAAAGGCGTTCGTGGTGCCGGTAGCGAACCAAGCCAGGGGCAACA[G>T]CGCGCAGAGATCGCAGAAACTCCAGTACTCGCGGAAAATGTTCCACGCAGCGTCCGCGCA-3'
Protein context (NP_001092744.1, residues 33-53): RVLEFLRSLR[Ala43Asp]VAPGLVRYRH